The following is an entry in ClinVar:

NM_001039141.3(TRIOBP):c.4100G>A (p.Arg1367Gln)

Gene: TRIOBP (TRIO and F-actin binding protein; plus strand). Cytogenetic location: 22q13.1.
Variant type: single nucleotide variant.
Coding change: c.4100G>A on transcript NM_001039141.3 (MANE Select); coding-DNA position 4100, G replaced by A.
Protein change: p.Arg1367Gln; replaces arginine 1367 with glutamine.
Molecular consequence: missense variant.
Genome position (GRCh38, 1-based): chr22:37,734,436, G>A. VCF-style: chr22-37734436-G-A. GRCh37 (hg19) VCF-style: chr22-38130443-G-A.
Other names: short protein forms R1367Q.
Identifiers: ClinVar variation 2180654 (VCV002180654.4), dbSNP rs778502748, ClinGen allele CA10224316.

ClinVar aggregate classification (germline): Uncertain significance (1 of 4 stars; one submission).

Allele frequency attached by ClinVar (database versions not stated): ExAC 0.00001; gnomAD exomes 0.00001; TOPMed 0.00003; gnomAD 0.00005.
gnomAD v4.1: 28 of 1,613,108 alleles (0.0017%); highest among the groups gnomAD compares: African/African-American, 0.0093%; no homozygotes.

Submission:

Labcorp Genetics (formerly Invitae), Labcorp
Classification: Uncertain significance. Last evaluated: 2023-08-10. Review status: criteria provided, single submitter. Criteria: Invitae Variant Classification Sherloc (09022015). Collection method: clinical testing. Allele origin: germline.
Comment: In summary, the available evidence is currently insufficient to determine the role of this variant in disease. Therefore, it has been classified as a Variant of Uncertain Significance. Algorithms developed to predict the effect of missense changes on protein structure and function output the following: SIFT: "Not Available"; PolyPhen-2: "Benign"; Align-GVGD: "Not Available". The glutamine amino acid residue is found in multiple mammalian species, which suggests that this missense change does not adversely affect protein function. ClinVar contains an entry for this variant (Variation ID: 2180654). This variant has not been reported in the literature in individuals affected with TRIOBP-related conditions. This variant is present in population databases (rs778502748, gnomAD 0.02%). This sequence change replaces arginine, which is basic and polar, with glutamine, which is neutral and polar, at codon 1367 of the TRIOBP protein (p.Arg1367Gln).